The following is an entry in ClinVar:

NM_001113491.2(SEPTIN9):c.560G>A (p.Arg187Lys)

Gene: SEPTIN9 (septin 9; plus strand). Cytogenetic location: 17q25.3.
Variant type: single nucleotide variant.
Coding change: c.560G>A on transcript NM_001113491.2 (MANE Select); coding-DNA position 560, G replaced by A.
Protein change: p.Arg187Lys; replaces arginine 187 with lysine.
Molecular consequence: missense variant.
Genome position (GRCh38, 1-based): chr17:77,402,542, G>A. VCF-style: chr17-77402542-G-A. GRCh37 (hg19) VCF-style: chr17-75398624-G-A.
Other names: c.68G>A, p.Arg23Lys (NM_001113492.2, NM_001113494.1); c.539G>A, p.Arg180Lys (NM_001113493.2); c.503G>A, p.Arg168Lys (NM_001293695.2); c.506G>A, p.Arg169Lys (NM_006640.5); short protein forms R168K, R169K, R180K, R187K, R23K.
Identifiers: ClinVar variation 2445556 (VCV002445556.5), dbSNP rs1477293713, ClinGen allele CA401206404.

ClinVar aggregate classification (germline): Conflicting classifications of pathogenicity. Review status: criteria provided, conflicting classifications (1 of 4 stars). 2 submissions from 2 submitters: Uncertain significance (1); Likely benign (1). Last evaluated 2026-04-21.

Allele frequency attached by ClinVar (database versions not stated): TOPMed below 0.00001; gnomAD 0.00001; gnomAD exomes 0.00002.
gnomAD v4.1: 28 of 1,608,766 alleles (0.0017%); highest among the groups gnomAD compares: Non-Finnish European, 0.0022%; no homozygotes.

Submissions (2):

Women's Health and Genetics/Laboratory Corporation of America, LabCorp
Classification: Likely benign. Last evaluated: 2026-04-21. Review status: criteria provided, single submitter. Criteria: LabCorp Variant Classification Summary - May 2015. Collection method: clinical testing. Allele origin: germline.
Comment: Variant summary: SEPTIN9 c.506G>A (p.Arg169Lys) results in a conservative amino acid change in the encoded protein sequence. Algorithms developed to predict the effect of missense changes on protein structure and function are either unavailable or do not agree on the potential impact of this missense change. The variant allele was found at a frequency of 1.7e-05 in 1608766 control chromosomes. The observed variant frequency exceeds the estimated maximal expected allele frequency for disease-causing variants in SEPTIN9. To our knowledge, no occurrence of c.506G>A in individuals affected with SEPTIN9-related conditions and no experimental evidence demonstrating its impact on protein function have been reported. ClinVar contains an entry for this variant (Variation ID: 2445556). Based on the evidence outlined above, the variant was classified as likely benign.

Labcorp Genetics (formerly Invitae), Labcorp
Classification: Uncertain significance. Last evaluated: 2024-02-16. Review status: criteria provided, single submitter. Criteria: Invitae Variant Classification Sherloc (09022015). Collection method: clinical testing. Allele origin: germline.
Comment: This sequence change replaces arginine, which is basic and polar, with lysine, which is basic and polar, at codon 169 of the SEPT9 protein (p.Arg169Lys). The frequency data for this variant in the population databases is considered unreliable, as metrics indicate poor data quality at this position in the gnomAD database. This variant has not been reported in the literature in individuals affected with SEPT9-related conditions. ClinVar contains an entry for this variant (Variation ID: 2445556). Advanced modeling of protein sequence and biophysical properties (such as structural, functional, and spatial information, amino acid conservation, physicochemical variation, residue mobility, and thermodynamic stability) performed at Invitae indicates that this missense variant is not expected to disrupt SEPT9 protein function with a negative predictive value of 80%. In summary, the available evidence is currently insufficient to determine the role of this variant in disease. Therefore, it has been classified as a Variant of Uncertain Significance.